The following is an entry in ClinVar:

NM_000152.5(GAA):c.711_712dup (p.Pro238fs)

Gene: GAA (alpha glucosidase; plus strand). Cytogenetic location: 17q25.3.
Variant type: Microsatellite.
Coding change: c.711_712dup on transcript NM_000152.5 (MANE Select); coding-DNA positions 711 to 712, 2 bases duplicated (GC; older notation c.711_712dupGC).
Protein change: p.Pro238fs; shifts the reading frame from proline 238.
Molecular consequence: frameshift variant.
Genome position (GRCh38, 1-based): chr17:80,107,575-80,107,576, GC duplicated; duplicating any 2 consecutive bases within chr17:80,107,573-80,107,576 gives the same sequence; the c. name uses the placement nearest the transcript's 3' end. VCF-style (leftmost placement, unchanged base first): chr17-80107572-G-GGC. GRCh37 (hg19) VCF-style: chr17-78081371-G-GGC.
Other names: c.711_712dup, p.Pro238fs (NM_001079803.3, NM_001079804.3); short protein forms P238fs.
Identifiers: ClinVar variation 558393 (VCV000558393.10), dbSNP rs1555599586, ClinGen allele CA658824778.

ClinVar aggregate classification (germline): Pathogenic/Likely pathogenic. Review status: criteria provided, multiple submitters, no conflicts (2 of 4 stars). 5 submissions from 5 submitters: Pathogenic (1); Likely pathogenic (3). 1 of the submissions does not count toward it. Last evaluated 2023-01-25.

Conditions:
Glycogen storage disease, type II (IOPD). Also called: CARDIOMEGALIA GLYCOGENICA DIFFUSA; POMPE DISEASE, INFANTILE-ONSET; GLYCOGEN STORAGE DISEASE II, INFANTILE-ONSET; ACID ALPHA-GLUCOSIDASE DEFICIENCY, INFANTILE-ONSET; GAA DEFICIENCY, INFANTILE-ONSET; ACID MALTASE DEFICIENCY, INFANTILE-ONSET. Identifiers: Orphanet 365, MedGen C0017921, MONDO:0009290, OMIM 232300.

Submissions (5):

Revvity Omics, Revvity
Classification: Likely pathogenic. Last evaluated: 2023-01-25. Review status: criteria provided, single submitter. Criteria: ACMG Guidelines, 2015. Collection method: clinical testing. Allele origin: germline.

Labcorp Genetics (formerly Invitae), Labcorp
Classification: Pathogenic for Glycogen storage disease, type II. Last evaluated: 2022-12-06. Review status: criteria provided, single submitter. Criteria: Invitae Variant Classification Sherloc (09022015). Collection method: clinical testing. Allele origin: germline.
Comment: This variant is not present in population databases (gnomAD no frequency). This sequence change creates a premature translational stop signal (p.Pro238Argfs*31) in the GAA gene. It is expected to result in an absent or disrupted protein product. Loss-of-function variants in GAA are known to be pathogenic (PMID: 18425781, 22252923). This variant has not been reported in the literature in individuals affected with GAA-related conditions. For these reasons, this variant has been classified as Pathogenic.

Fulgent Genetics
Classification: Likely pathogenic for Glycogen storage disease, type II. Last evaluated: 2021-10-12. Review status: criteria provided, single submitter. Criteria: ACMG Guidelines, 2015. Collection method: clinical testing. Allele origin: unknown.

AiLife Diagnostics
Classification: Likely pathogenic. Last evaluated: 2021-07-16. Review status: criteria provided, single submitter. Criteria: ACMG Guidelines, 2015. Collection method: clinical testing. Allele origin: germline. Affected: yes. Observed: 1 variant allele.

Counsyl
Classification: Likely pathogenic for Glycogen storage disease, type II. Last evaluated: 2018-05-21. Review status: no assertion criteria provided. Collection method: clinical testing. Allele origin: unknown. Not counted in ClinVar's aggregate classification.

Literature cited by the submitters: PubMed 18425781 (cited by Labcorp Genetics (formerly Invitae), Labcorp); PubMed 22252923 (cited by Labcorp Genetics (formerly Invitae), Labcorp).